The following is an entry in ClinVar:

ClinVar aggregate classification (germline): Uncertain significance. Review status: criteria provided, multiple submitters, no conflicts (2 of 4 stars). 3 submissions from 3 submitters: Uncertain significance (2). 1 of the submissions does not count toward it. Last evaluated 2022-08-09.

Conditions:
Nemaline myopathy 2 (NEM2). Also called: Nemaline myopathy 2, autosomal recessive. Identifiers: MedGen C1850569, MONDO:0009725, OMIM 256030.

Allele frequency attached by ClinVar (database versions not stated): gnomAD exomes 0.00003 and 0.00004; ExAC 0.00004; gnomAD 0.00004 and 0.00003; TOPMed 0.00006; ESP Exome Variant Server 0.00008.
gnomAD v4.1: 69 of 1,606,268 alleles (0.0043%); highest among the groups gnomAD compares: Middle Eastern, 0.016%; no homozygotes.

Submissions (3):

Labcorp Genetics (formerly Invitae), Labcorp
Classification: Uncertain significance for Nemaline myopathy 2. Last evaluated: 2022-08-09. Review status: criteria provided, single submitter. Criteria: Invitae Variant Classification Sherloc (09022015). Collection method: clinical testing. Allele origin: germline.
Comment: This sequence change falls in intron 59 of the NEB gene. It does not directly change the encoded amino acid sequence of the NEB protein. It affects a nucleotide within the consensus splice site. This variant is present in population databases (rs374475460, gnomAD 0.01%). This variant has not been reported in the literature in individuals affected with NEB-related conditions. ClinVar contains an entry for this variant (Variation ID: 965871). Variants that disrupt the consensus splice site are a relatively common cause of aberrant splicing (PMID: 17576681, 9536098). Algorithms developed to predict the effect of sequence changes on RNA splicing suggest that this variant may disrupt the consensus splice site. In summary, the available evidence is currently insufficient to determine the role of this variant in disease. Therefore, it has been classified as a Variant of Uncertain Significance.

Revvity Omics, Revvity
Classification: Uncertain significance. Last evaluated: 2021-12-06. Review status: criteria provided, single submitter. Criteria: ACMG Guidelines, 2015. Collection method: clinical testing. Allele origin: germline.

Natera, Inc.
Classification: Uncertain significance for Nemaline myopathy type 2. Last evaluated: 2020-01-17. Review status: no assertion criteria provided. Collection method: clinical testing. Allele origin: germline. Not counted in ClinVar's aggregate classification.

Literature cited by the submitters: PubMed 17576681 (cited by Labcorp Genetics (formerly Invitae), Labcorp); PubMed 9536098 (cited by Labcorp Genetics (formerly Invitae), Labcorp).

NM_001164508.2(NEB):c.8265+3A>T

Gene: NEB (nebulin; minus strand). Cytogenetic location: 2q23.3.
Variant type: single nucleotide variant.
Coding change: c.8265+3A>T on transcript NM_001164508.2 (MANE Select); 3 bases into the intron after coding-DNA position 8265, A replaced by T.
Molecular consequence: intron variant.
Genome position (GRCh38, 1-based): chr2:151,642,762, T>A on the plus strand (A>T on the coding strand, the complement: NEB is on the minus strand). VCF-style: chr2-151642762-T-A. GRCh37 (hg19) VCF-style: chr2-152499276-T-A.
Other names: c.8265+3A>T (NM_004543.5, NM_001164507.2, NM_001271208.2).
Identifiers: ClinVar variation 965871 (VCV000965871.12), dbSNP rs374475460, ClinGen allele CA1909647.
Genomic context (GRCh38, chr2:151,642,762, plus strand): 5'-AAGTTGGATTTATAAAGTGCATTGTAAGGAAAATGTATCACGCACTATGAATATATTACT[T>A]ACCTCACTGTAATTTACTTTGTTTTGTTTAGCTAATAAAACTTCAGGGGTATCTGGCATA-3'